The following is an entry in ClinVar:

ClinVar aggregate classification (germline): Uncertain significance. Review status: criteria provided, multiple submitters, no conflicts (2 of 4 stars). 3 submissions from 3 submitters: Uncertain significance (3). Last evaluated 2026-01-06.

Conditions:
KIDINS220-related disorder. Also called: KIDINS220-related condition.
Inborn genetic diseases. Identifiers: MedGen C0950123, MeSH D030342.

Allele frequency attached by ClinVar (database versions not stated): gnomAD exomes below 0.00001; ExAC 0.00001; gnomAD 0.00001; TOPMed 0.00001.
gnomAD v4.1: 8 of 1,614,028 alleles (0.0005%); highest among the groups gnomAD compares: African/African-American, 0.004%; no homozygotes.

Submissions (3):

Labcorp Genetics (formerly Invitae), Labcorp
Classification: Uncertain significance. Last evaluated: 2026-01-06. Review status: criteria provided, single submitter. Criteria: Invitae Variant Classification Sherloc (09022015). Collection method: clinical testing. Allele origin: germline.
Comment: This sequence change replaces asparagine, which is neutral and polar, with serine, which is neutral and polar, at codon 820 of the KIDINS220 protein (p.Asn820Ser). This variant is not present in population databases (gnomAD no frequency). This variant has not been reported in the literature in individuals affected with KIDINS220-related conditions. ClinVar contains an entry for this variant (Variation ID: 2983566). An algorithm developed to predict the effect of missense changes on protein structure and function outputs the following: PolyPhen-2: "Benign". The serine amino acid residue is found in multiple mammalian species, which suggests that this missense change does not adversely affect protein function. In summary, the available evidence is currently insufficient to determine the role of this variant in disease. Therefore, it has been classified as a Variant of Uncertain Significance.

PreventionGenetics, part of Exact Sciences
Classification: Uncertain significance for KIDINS220-related condition. Last evaluated: 2025-05-09. Review status: criteria provided, single submitter. Criteria: ACMG Guidelines, 2015. Collection method: clinical testing. Allele origin: germline.
Comment: The KIDINS220 c.2459A>G variant is predicted to result in the amino acid substitution p.Asn820Ser. To our knowledge, this variant has not been reported in the literature. This variant is reported in 0.0056% of alleles in individuals of East Asian descent in gnomAD. At this time, the clinical significance of this variant is uncertain due to the absence of conclusive functional and genetic evidence.

Ambry Genetics
Classification: Uncertain significance for Inborn genetic diseases. Last evaluated: 2024-12-14. Review status: criteria provided, single submitter. Criteria: Ambry Variant Classification Scheme 2023. Collection method: clinical testing. Allele origin: germline.

NM_020738.4(KIDINS220):c.2459A>G (p.Asn820Ser)

Gene: KIDINS220 (kinase D interacting substrate 220; minus strand). Cytogenetic location: 2p25.1.
Variant type: single nucleotide variant.
Coding change: c.2459A>G on transcript NM_020738.4 (MANE Select); coding-DNA position 2459, A replaced by G.
Protein change: p.Asn820Ser; replaces asparagine 820 with serine.
Molecular consequence: missense variant. On other transcripts: non-coding transcript variant (2).
Genome position (GRCh38, 1-based): chr2:8,779,051, T>C on the plus strand (A>G on the coding strand, the complement: KIDINS220 is on the minus strand). VCF-style: chr2-8779051-T-C. GRCh37 (hg19) VCF-style: chr2-8919181-T-C.
Other names: c.2333A>G, p.Asn778Ser (NM_001348736.2); c.2459A>G, p.Asn820Ser (NM_001348738.2, NM_001348741.2, NM_001348742.2 and 3 more transcripts); c.2462A>G, p.Asn821Ser (NM_001348739.2, NM_001348740.2, NM_001348745.2 and 3 more transcripts); c.2459A>G (NM_020738.2); short protein forms N778S, N820S, N821S.
Identifiers: ClinVar variation 2983566 (VCV002983566.5), dbSNP rs768186128, ClinGen allele CA1519968.